The following is an entry in ClinVar:

ClinVar aggregate classification (germline): Uncertain significance (1 of 4 stars; one submission).

Submission:

Labcorp Genetics (formerly Invitae), Labcorp
Classification: Uncertain significance. Last evaluated: 2024-06-11. Review status: criteria provided, single submitter. Criteria: Invitae Variant Classification Sherloc (09022015). Collection method: clinical testing. Allele origin: germline.
Comment: This sequence change affects the initiator methionine of the TRAF3IP1 mRNA. The next in-frame methionine is located at codon 45. This variant is not present in population databases (gnomAD no frequency). This variant has not been reported in the literature in individuals affected with TRAF3IP1-related conditions. Experimental studies and prediction algorithms are not available or were not evaluated, and the functional significance of this variant is currently unknown. In summary, the available evidence is currently insufficient to determine the role of this variant in disease. Therefore, it has been classified as a Variant of Uncertain Significance.

NM_015650.4(TRAF3IP1):c.2T>C (p.Met1Thr)

Gene: TRAF3IP1 (TRAF3 interacting protein 1; plus strand). Cytogenetic location: 2q37.3.
Variant type: single nucleotide variant.
Coding change: c.2T>C on transcript NM_015650.4 (MANE Select); coding-DNA position 2, T replaced by C.
Protein change: p.Met1Thr; changes the start codon (methionine 1).
Molecular consequence: missense variant, initiator codon variant.
Genome position (GRCh38, 1-based): chr2:238,320,664, T>C. VCF-style: chr2-238320664-T-C. GRCh37 (hg19) VCF-style: chr2-239229305-T-C.
Other names: c.2T>C, p.Met1Thr (NM_001139490.1); short protein forms M1T.
Identifiers: ClinVar variation 3689657 (VCV003689657.2).